The following is an entry in ClinVar:

NM_144596.4(TTC8):c.1423T>A (p.Ser475Thr)

Gene: TTC8 (tetratricopeptide repeat domain 8; plus strand). Cytogenetic location: 14q31.3.
Variant type: single nucleotide variant.
Coding change: c.1423T>A on transcript NM_144596.4 (MANE Select); coding-DNA position 1423, T replaced by A.
Protein change: p.Ser475Thr; replaces serine 475 with threonine.
Molecular consequence: missense variant. On other transcripts: non-coding transcript variant (1), intron variant (2).
Genome position (GRCh38, 1-based): chr14:88,875,101, T>A. VCF-style: chr14-88875101-T-A. GRCh37 (hg19) VCF-style: chr14-89341445-T-A.
Other names: c.1471T>A, p.Ser491Thr (NM_001288781.1); c.829T>A, p.Ser277Thr (NM_001288782.1); c.706T>A, p.Ser236Thr (NM_001288783.1); c.1393T>A, p.Ser465Thr (NM_198309.3); c.1303T>A, p.Ser435Thr (NM_198310.3); c.1318-2193T>A (NM_001366535.2); c.1228-2193T>A (NM_001366536.2); short protein forms S475T, S491T, S236T, S277T, S435T, S465T.
Identifiers: ClinVar variation 1358216 (VCV001358216.8), dbSNP rs2141044512, ClinGen allele CA390554229.
Genomic context (GRCh38, chr14:88,875,101, plus strand): 5'-CAAACTGCATCATCATTAGCACCCCATATGTATGAACCGCATTTTAATTTTGCAACAATC[T>A]CTGATAAGGTATTCTCTTTCTTCATTAATTTATCATCTGATCTGTTCTTTTTTTTTCTTT-3'
Protein context (NP_653197.2, residues 465-485): YEPHFNFATI[Ser475Thr]DKIGDLQRSY

ClinVar aggregate classification (germline): Uncertain significance (1 of 4 stars; one submission).

Conditions:
Bardet-Biedl syndrome (BBS). Identifiers: Orphanet 110, MedGen C0752166, MONDO:0015229.

Submission:

Labcorp Genetics (formerly Invitae), Labcorp
Classification: Uncertain significance for Bardet-Biedl syndrome. Last evaluated: 2021-06-01. Review status: criteria provided, single submitter. Criteria: Invitae Variant Classification Sherloc (09022015). Collection method: clinical testing. Allele origin: germline.
Comment: In summary, the available evidence is currently insufficient to determine the role of this variant in disease. Therefore, it has been classified as a Variant of Uncertain Significance. Algorithms developed to predict the effect of missense changes on protein structure and function are either unavailable or do not agree on the potential impact of this missense change (SIFT: "Deleterious"; PolyPhen-2: "Benign"; Align-GVGD: "Class C0"). This variant has not been reported in the literature in individuals with TTC8-related conditions. This variant is not present in population databases (ExAC no frequency). This sequence change replaces serine with threonine at codon 465 of the TTC8 protein (p.Ser465Thr). The serine residue is highly conserved and there is a small physicochemical difference between serine and threonine.